The following is an entry in ClinVar:

ClinVar aggregate classification (germline): Uncertain significance. Review status: criteria provided, multiple submitters, no conflicts (2 of 4 stars). 3 submissions from 3 submitters: Uncertain significance (3). Last evaluated 2025-06-11.

Conditions:
Congenital myasthenic syndrome 20. Also called: Myasthenic syndrome, congenital, 20, presynaptic. Identifiers: MedGen C4310694, MONDO:0014939, OMIM 617143.
Neuronopathy, distal hereditary motor, type 7A. Also called: Neuronopathy, distal hereditary motor, type viia; SPINAL MUSCULAR ATROPHY, DISTAL, WITH VOCAL CORD PARALYSIS; HARPER-YOUNG MYOPATHY; HMN VIIA; NEURONOPATHY, DISTAL HEREDITARY MOTOR, HARDING TYPE VIIA; NEUROPATHY, DISTAL HEREDITARY MOTOR, HARDING TYPE VIIA. Identifiers: Orphanet 139589, MedGen C1834703, MONDO:0008024, OMIM 158580.
Inborn genetic diseases. Identifiers: MedGen C0950123, MeSH D030342.

Allele frequency attached by ClinVar (database versions not stated): TOPMed 0.00001.

Submissions (3):

Labcorp Genetics (formerly Invitae), Labcorp
Classification: Uncertain significance for Neuronopathy, distal hereditary motor, type 7A; Congenital myasthenic syndrome 20. Last evaluated: 2025-06-11. Review status: criteria provided, single submitter. Criteria: Invitae Variant Classification Sherloc (09022015). Collection method: clinical testing. Allele origin: germline.
Comment: This sequence change replaces histidine, which is basic and polar, with tyrosine, which is neutral and polar, at codon 209 of the SLC5A7 protein (p.His209Tyr). This variant is not present in population databases (gnomAD no frequency). This variant has not been reported in the literature in individuals affected with SLC5A7-related conditions. ClinVar contains an entry for this variant (Variation ID: 935581). Invitae Evidence Modeling of protein sequence and biophysical properties (such as structural, functional, and spatial information, amino acid conservation, physicochemical variation, residue mobility, and thermodynamic stability) indicates that this missense variant is not expected to disrupt SLC5A7 protein function with a negative predictive value of 80%. In summary, the available evidence is currently insufficient to determine the role of this variant in disease. Therefore, it has been classified as a Variant of Uncertain Significance.

Greenwood Genetic Center Diagnostic Laboratories, Greenwood Genetic Center
Classification: Uncertain significance. Last evaluated: 2025-02-04. Review status: criteria provided, single submitter. Criteria: ACMG Guidelines, 2015. Collection method: clinical testing. Allele origin: germline.
Comment: PM2, PP3

Ambry Genetics
Classification: Uncertain significance for Inborn genetic diseases. Last evaluated: 2023-10-06. Review status: criteria provided, single submitter. Criteria: Ambry Variant Classification Scheme 2023. Collection method: clinical testing. Allele origin: germline.

NM_021815.5(SLC5A7):c.625C>T (p.His209Tyr)

Gene: SLC5A7 (solute carrier family 5 member 7; plus strand). Cytogenetic location: 2q12.3.
Variant type: single nucleotide variant.
Coding change: c.625C>T on transcript NM_021815.5 (MANE Select); coding-DNA position 625, C replaced by T.
Protein change: p.His209Tyr; replaces histidine 209 with tyrosine.
Molecular consequence: missense variant. On other transcripts: intron variant (1).
Genome position (GRCh38, 1-based): chr2:108,001,924, C>T. VCF-style: chr2-108001924-C-T. GRCh37 (hg19) VCF-style: chr2-108618380-C-T.
Other names: c.625C>T, p.His209Tyr (NM_001305005.3); c.310C>T, p.His104Tyr (NM_001305006.3); c.-107-10C>T (NM_001305007.3); short protein forms H209Y, H104Y.
Identifiers: ClinVar variation 935581 (VCV000935581.9), dbSNP rs763744412, ClinGen allele CA348112764.